The following is an entry in ClinVar:

NM_005120.3(MED12):c.1277A>G (p.Gln426Arg)

Gene: MED12 (mediator complex subunit 12; plus strand). Cytogenetic location: Xq13.1.
Variant type: single nucleotide variant.
Coding change: c.1277A>G on transcript NM_005120.3 (MANE Select); coding-DNA position 1277, A replaced by G.
Protein change: p.Gln426Arg; replaces glutamine 426 with arginine.
Molecular consequence: missense variant.
Genome position (GRCh38, 1-based): chrX:71,122,536, A>G. VCF-style: chrX-71122536-A-G. GRCh37 (hg19) VCF-style: chrX-70342386-A-G.
Other names: short protein forms Q426R.
Identifiers: ClinVar variation 4999144 (VCV004999144.1).

ClinVar aggregate classification (germline): Uncertain significance (1 of 4 stars; one submission).

Conditions:
MED12-Related Disorders. Also called: MED12-related condition; MED12-related disorder. Identifiers: MedGen CN381102.

gnomAD v4.1: 1 of 1,210,194 alleles (0.000083%); highest among the groups gnomAD compares: African/African-American, 0.0017%; no homozygotes.

Submission:

PreventionGenetics, part of Exact Sciences
Classification: Uncertain significance for MED12-related condition. Last evaluated: 2025-12-09. Review status: criteria provided, single submitter. Criteria: ACMG Guidelines, 2015. Collection method: clinical testing. Allele origin: germline.
Comment: The MED12 c.1277A>G variant is predicted to result in the amino acid substitution p.Gln426Arg. To our knowledge, this variant has not been reported in the literature or in a large population database (gnomAD), indicating this variant is rare. At this time, the clinical significance of this variant is uncertain due to the absence of conclusive functional and genetic evidence.